The following is an entry in ClinVar:

NM_030787.4(CFHR5):c.1254A>C (p.Lys418Asn)

Gene: CFHR5 (complement factor H related 5; plus strand). Cytogenetic location: 1q31.3.
Variant type: single nucleotide variant.
Coding change: c.1254A>C on transcript NM_030787.4 (MANE Select); coding-DNA position 1254, A replaced by C.
Protein change: p.Lys418Asn; replaces lysine 418 with asparagine.
Molecular consequence: missense variant.
Genome position (GRCh38, 1-based): chr1:197,002,588, A>C. VCF-style: chr1-197002588-A-C. GRCh37 (hg19) VCF-style: chr1-196971718-A-C.
Other names: short protein forms K418N.
Identifiers: ClinVar variation 3491562 (VCV003491562.2).

ClinVar aggregate classification (germline): Uncertain significance. Review status: criteria provided, multiple submitters, no conflicts (2 of 4 stars). 2 submissions from 2 submitters: Uncertain significance (2). Last evaluated 2025-11-28.

Conditions:
Inborn genetic diseases. Identifiers: MedGen C0950123, MeSH D030342.

gnomAD v4.1: 2 of 1,613,198 alleles (0.00012%); highest among the groups gnomAD compares: Admixed American, 0.0017%; no homozygotes.

Submissions (2):

Labcorp Genetics (formerly Invitae), Labcorp
Classification: Uncertain significance. Last evaluated: 2025-11-28. Review status: criteria provided, single submitter. Criteria: Invitae Variant Classification Sherloc (09022015). Collection method: clinical testing. Allele origin: germline.
Comment: This sequence change replaces lysine, which is basic and polar, with asparagine, which is neutral and polar, at codon 418 of the CFHR5 protein (p.Lys418Asn). This variant is not present in population databases (gnomAD no frequency). This variant has not been reported in the literature in individuals affected with CFHR5-related conditions. ClinVar contains an entry for this variant (Variation ID: 3491562). Invitae Evidence Modeling of protein sequence and biophysical properties (such as structural, functional, and spatial information, amino acid conservation, physicochemical variation, residue mobility, and thermodynamic stability) indicates that this missense variant is not expected to disrupt CFHR5 protein function with a negative predictive value of 80%. In summary, the available evidence is currently insufficient to determine the role of this variant in disease. Therefore, it has been classified as a Variant of Uncertain Significance.

Ambry Genetics
Classification: Uncertain significance for Inborn genetic diseases. Last evaluated: 2024-12-10. Review status: criteria provided, single submitter. Criteria: Ambry Variant Classification Scheme 2023. Collection method: clinical testing. Allele origin: germline.